The following is an entry in ClinVar:

NM_020361.5(CPA6):c.473G>A (p.Gly158Asp)

Gene: CPA6 (carboxypeptidase A6; minus strand). Cytogenetic location: 8q13.2.
Variant type: single nucleotide variant.
Coding change: c.473G>A on transcript NM_020361.5 (MANE Select); coding-DNA position 473, G replaced by A.
Protein change: p.Gly158Asp; replaces glycine 158 with aspartic acid.
Molecular consequence: missense variant.
Genome position (GRCh38, 1-based): chr8:67,509,578, C>T on the plus strand (G>A on the coding strand, the complement: CPA6 is on the minus strand). VCF-style: chr8-67509578-C-T. GRCh37 (hg19) VCF-style: chr8-68421813-C-T.
Other names: c.473G>A, p.Gly158Asp (NM_001440615.1); short protein forms G158D.
Identifiers: ClinVar variation 4682266 (VCV004682266.1).

ClinVar aggregate classification (germline): Uncertain significance (1 of 4 stars; one submission).

gnomAD v4.1: 8 of 1,599,114 alleles (0.0005%); highest among the groups gnomAD compares: Admixed American, 0.014%; no homozygotes.

Submission:

Athena Diagnostics
Classification: Uncertain significance. Last evaluated: 2025-04-16. Review status: criteria provided, single submitter. Criteria: Athena Diagnostics Criteria. Collection method: clinical testing. Allele origin: unknown.
Comment: Available data are insufficient to determine the clinical significance of the variant at this time. The frequency of this variant in the general population is uninformative in assessment of its pathogenicity. Polyphen and MutationTaster predict this amino acid change may be benign.